The following is an entry in ClinVar:

NM_000286.3(PEX12):c.-26G>A

Gene: PEX12 (peroxisomal biogenesis factor 12; minus strand). Cytogenetic location: 17q12.
Variant type: single nucleotide variant.
Coding change: c.-26G>A on transcript NM_000286.3 (MANE Select); 26 bases upstream of the start codon, G replaced by A.
Molecular consequence: 5 prime UTR variant.
Genome position (GRCh38, 1-based): chr17:35,578,047, C>T on the plus strand (G>A on the coding strand, the complement: PEX12 is on the minus strand). VCF-style: chr17-35578047-C-T. GRCh37 (hg19) VCF-style: chr17-33905066-C-T.
Identifiers: ClinVar variation 167450 (VCV000167450.11), dbSNP rs727504080, ClinGen allele CA234526.

ClinVar aggregate classification (germline): Uncertain significance. Review status: criteria provided, multiple submitters, no conflicts (2 of 4 stars). 4 submissions from 4 submitters: Uncertain significance (3). 1 of the submissions does not count toward it. Last evaluated 2021-11-09.

Conditions:
Peroxisome biogenesis disorder type 3B. Identifiers: Orphanet 44, Orphanet 772, MedGen C3550693, MONDO:0009959, OMIM 266510.
Peroxisome biogenesis disorder 3A (Zellweger). Also called: Peroxisome biogenesis disorder 3A; PEROXISOMAL BIOGENESIS DISORDER 3A (ZELLWEGER). Identifiers: Orphanet 912, MedGen C3553929, MONDO:0013927, OMIM 614859.

Submissions (5):

Fulgent Genetics
Classification: Uncertain significance for Peroxisome biogenesis disorder type 3B; Peroxisome biogenesis disorder 3A (Zellweger). Last evaluated: 2021-11-09. Review status: criteria provided, single submitter. Criteria: ACMG Guidelines, 2015. Collection method: clinical testing. Allele origin: unknown.

Labcorp Genetics (formerly Invitae), Labcorp
Classification: Uncertain significance for Peroxisome biogenesis disorder 3A (Zellweger). Last evaluated: 2021-09-01. Review status: criteria provided, single submitter. Criteria: Invitae Variant Classification Sherloc (09022015). Collection method: clinical testing. Allele origin: germline.
Comment: This variant occurs in a non-coding region of the PEX12 gene. It does not change the encoded amino acid sequence of the PEX12 protein. This variant is present in population databases (rs727504080, ExAC 0.001%). This variant has been observed in individual(s) with Zellweger spectrum disorder (PMID: 26643206). ClinVar contains an entry for this variant (Variation ID: 167450). Experimental studies and prediction algorithms are not available or were not evaluated, and the functional significance of this variant is currently unknown. In summary, the available evidence is currently insufficient to determine the role of this variant in disease. Therefore, it has been classified as a Variant of Uncertain Significance.

Eurofins Ntd Llc (ga)
Classification: Uncertain significance. Last evaluated: 2014-04-15. Review status: criteria provided, single submitter. Criteria: EGL Classification Definitions 2015. Collection method: clinical testing. Allele origin: germline. Observed: 2 variant alleles, 2 heterozygotes.

Counsyl
Classification: Uncertain significance for Peroxisome biogenesis disorder type 3B; Peroxisome biogenesis disorder 3A (Zellweger). Last evaluated: 2017-03-21. Review status: no assertion criteria provided. Collection method: clinical testing. Allele origin: unknown. Not counted in ClinVar's aggregate classification.

Seelig Lab, University of Washington
No classification provided (evidence only). Review status: no classification provided. Collection method: in vitro. Allele origin: not applicable. Functional consequence: effect on translation. Not counted in ClinVar's aggregate classification.
ClinVar note: "not provided" was previously submitted as the classification for the variant. However, the classification appeared to be based only on an observation of functional data so it was converted to no classification on 2025-07-30.

Literature cited by the submitters: PubMed 26643206 (cited by Labcorp Genetics (formerly Invitae), Labcorp and Counsyl).